The following is an entry in ClinVar:

NM_014363.6(SACS):c.13214C>T (p.Ala4405Val)

Gene: SACS (sacsin molecular chaperone; minus strand). Cytogenetic location: 13q12.12.
Variant type: single nucleotide variant.
Coding change: c.13214C>T on transcript NM_014363.6 (MANE Select); coding-DNA position 13214, C replaced by T.
Protein change: p.Ala4405Val; replaces alanine 4405 with valine.
Molecular consequence: missense variant.
Genome position (GRCh38, 1-based): chr13:23,330,662, G>A on the plus strand (C>T on the coding strand, the complement: SACS is on the minus strand). VCF-style: chr13-23330662-G-A. GRCh37 (hg19) VCF-style: chr13-23904801-G-A.
Other names: c.12773C>T, p.Ala4258Val (NM_001278055.2); short protein forms A4258V, A4405V.
Identifiers: ClinVar variation 949465 (VCV000949465.9), dbSNP rs1300062381, ClinGen allele CA387505746.
Genomic context (GRCh38, chr13:23,330,662, plus strand): 5'-CCGGCTGAAGGGGGGCATTTTTCTTTGTTCTGTTGCTGTCTTTCAGATTTATGGCTCGTT[G>A]CTTCTTGATTCCATGAAGTATAGAATCTCTGAAATGAGTATTTGTCTGACTGAAATCGGG-3'
Protein context (NP_055178.3, residues 4395-4415): QRFYTSWNQE[Ala4405Val]TSHKSERQQQ

ClinVar aggregate classification (germline): Uncertain significance (1 of 4 stars; one submission).

Conditions:
Spastic paraplegia. Identifiers: MedGen C0037772, HP:0001258.

Submission:

Labcorp Genetics (formerly Invitae), Labcorp
Classification: Uncertain significance for Spastic paraplegia. Last evaluated: 2022-01-14. Review status: criteria provided, single submitter. Criteria: Invitae Variant Classification Sherloc (09022015). Collection method: clinical testing. Allele origin: germline.
Comment: This variant has not been reported in the literature in individuals affected with SACS-related conditions. This variant is not present in population databases (gnomAD no frequency). This sequence change replaces alanine, which is neutral and non-polar, with valine, which is neutral and non-polar, at codon 4405 of the SACS protein (p.Ala4405Val). ClinVar contains an entry for this variant (Variation ID: 949465). In summary, the available evidence is currently insufficient to determine the role of this variant in disease. Therefore, it has been classified as a Variant of Uncertain Significance. Algorithms developed to predict the effect of sequence changes on RNA splicing suggest that this variant may create or strengthen a splice site. Algorithms developed to predict the effect of missense changes on protein structure and function are either unavailable or do not agree on the potential impact of this missense change (SIFT: "Deleterious"; PolyPhen-2: "Benign"; Align-GVGD: "Class C0").